The following is an entry in ClinVar:

ClinVar aggregate classification (germline): Pathogenic/Likely pathogenic. Review status: criteria provided, multiple submitters, no conflicts (2 of 4 stars). 11 submissions from 11 submitters: Pathogenic (6); Likely pathogenic (4). 1 of the submissions does not count toward it. Last evaluated 2025-08-26.

Conditions:
Muscular dystrophy, limb-girdle, autosomal dominant 4. Also called: Calpain-3-related limb-girdle muscular dystrophy D4; MUSCULAR DYSTROPHY, LIMB-GIRDLE, TYPE 1I. Identifiers: Orphanet 565909, MedGen C4748295, MONDO:0029133, OMIM 618129.
Autosomal recessive limb-girdle muscular dystrophy type 2A (LGMDR1). Also called: Muscular dystrophy, limb-girdle, type 2A, Amish; Limb-girdle muscular dystrophy, type 2A; Calpainopathy; LEYDEN-MOEBIUS MUSCULAR DYSTROPHY; MUSCULAR DYSTROPHY, PELVOFEMORAL. Identifiers: Orphanet 267, MedGen C1869123, MONDO:0009675, OMIM 253600. Disease mechanism: loss of function.
CAPN3-related disorder. Also called: CAPN3-related condition; CAPN3-related disorders. Identifiers: MedGen CN239245.

Allele frequency attached by ClinVar (database versions not stated): gnomAD 0.00001; ExAC 0.00002; gnomAD exomes 0.00002; TOPMed 0.00003.
gnomAD v4.1: 28 of 1,611,092 alleles (0.0017%); highest among the groups gnomAD compares: South Asian, 0.0066%; no homozygotes.

Submissions (11):

Natera, Inc.
Classification: Pathogenic for Limb-girdle muscular dystrophy type 2A. Last evaluated: 2025-08-26. Review status: criteria provided, single submitter. Criteria: Natera Variant Classification Schema (03/2026). Collection method: clinical testing. Allele origin: germline.
Comment: The c.1318C>T variant in CAPN3 is a missense variant predicted to cause substitution of arginine to tryptophan at amino acid 440. This variant is rare in the general population with a frequency below the threshold expected for the associated phenotype(s). This variant has been observed in one or more individuals affected with the associated recessive disease, as either homozygous or compound heterozygous with a second variant (PMID: 22926650, 9150160, 11525884, 26060040). This variant has been observed in affected individual(s) with monoallelic occurrence (heterozygous/hemizygous) (PMID: 22926650, 18055493). A different variant at the same position has been determined to be Pathogenic or Likely Pathogenic. Computational prediction algorithms indicate this variant is likely to affect gene or protein function. Given the available evidence, this variant is classified as Pathogenic.

Labcorp Genetics (formerly Invitae), Labcorp
Classification: Pathogenic for Autosomal recessive limb-girdle muscular dystrophy type 2A. Last evaluated: 2025-07-28. Review status: criteria provided, single submitter. Criteria: Invitae Variant Classification Sherloc (09022015). Collection method: clinical testing. Allele origin: germline.
Comment: This sequence change replaces arginine, which is basic and polar, with tryptophan, which is neutral and slightly polar, at codon 440 of the CAPN3 protein (p.Arg440Trp). This variant is present in population databases (rs777323132, gnomAD 0.005%). This missense change has been observed in individuals with autosomal recessive limb-girdle muscular dystrophy (PMID: 9150160, 11525884, 22926650, 26060040). ClinVar contains an entry for this variant (Variation ID: 283991). Invitae Evidence Modeling of protein sequence and biophysical properties (such as structural, functional, and spatial information, amino acid conservation, physicochemical variation, residue mobility, and thermodynamic stability) indicates that this missense variant is expected to disrupt CAPN3 protein function with a positive predictive value of 80%. This variant disrupts the p.Arg440 amino acid residue in CAPN3. Other variant(s) that disrupt this residue have been determined to be pathogenic (PMID: 15221789, 18055493, 19048948, 20694146, 21984748, 25326637). This suggests that this residue is clinically significant, and that variants that disrupt this residue are likely to be disease-causing. For these reasons, this variant has been classified as Pathogenic.

GeneDx
Classification: Likely pathogenic. Last evaluated: 2024-08-29. Review status: criteria provided, single submitter. Criteria: GeneDx Variant Classification Process June 2021. Collection method: clinical testing. Allele origin: germline. Affected: yes.
Comment: In silico analysis supports that this missense variant has a deleterious effect on protein structure/function; This variant is associated with the following publications: (PMID: 31589614, 18055493, 22926650, 11371436, 11525884, 9150160, 26060040, 38374194, 31788660)

Baylor Genetics
Classification: Pathogenic for Muscular dystrophy, limb-girdle, autosomal dominant 4. Last evaluated: 2023-10-22. Review status: criteria provided, single submitter. Criteria: ACMG Guidelines, 2015. Collection method: clinical testing. Allele origin: unknown.

Blueprint Genetics
Classification: Pathogenic for CAPN3-related disorders. Last evaluated: 2023-09-26. Review status: criteria provided, single submitter. Criteria: ACMG Guidelines, 2015. Collection method: clinical testing. Allele origin: germline. Affected: yes. Observed: 2 variant alleles.

Kariminejad - Najmabadi Pathology & Genetics Center
Classification: Pathogenic for Autosomal recessive limb-girdle muscular dystrophy type 2A. Last evaluated: 2023-06-12. Review status: criteria provided, single submitter. Criteria: ACMG Guidelines, 2015. Collection method: clinical testing. Allele origin: germline. Inheritance: Autosomal recessive inheritance. Affected: yes.
Comment: PP5_Strong,PP3_Strong,PM1_Moderate,PM5_Moderate,PM2_Supporting

Revvity Omics, Revvity
Classification: Likely pathogenic. Last evaluated: 2022-01-03. Review status: criteria provided, single submitter. Criteria: ACMG Guidelines, 2015. Collection method: clinical testing. Allele origin: germline.

HudsonAlpha Institute for Biotechnology
Classification: Likely pathogenic for Autosomal recessive limb-girdle muscular dystrophy type 2A. Last evaluated: 2018-04-16. Review status: criteria provided, single submitter. Criteria: ACMG Guidelines, 2015. Collection method: research. Allele origin: maternal. Affected: yes. Observed: 1 variant allele. Study: CSER-HudsonAlpha.

Eurofins Ntd Llc (ga)
Classification: Pathogenic. Last evaluated: 2018-04-12. Review status: criteria provided, single submitter. Criteria: EGL ClinVar v180209 classification definitions. Collection method: clinical testing. Allele origin: germline. Observed: 3 variant alleles, 3 heterozygotes.

Juno Genomics, Hangzhou Juno Genomics, Inc
Classification: Likely pathogenic for Muscular dystrophy, limb-girdle, autosomal dominant 4; Autosomal recessive limb-girdle muscular dystrophy type 2A. Review status: criteria provided, single submitter. Criteria: ACMG Guidelines, 2015. Collection method: clinical testing. Allele origin: germline. Affected: yes.
Comment: Absent from controls (or at extremely low frequency if recessive) in Genome Aggregation Database, Exome Sequencing Project, 1000 Genomes Project, or Exome Aggregation Consortium.;Multiple lines of computational evidence support a deleterious effect on the gene or gene product (conservation, evolutionary, splicing impact, etc).;For recessive disorders, detected in trans with a pathogenic variant.;Novel missense change at an amino acid residue where a different missense change determined to be pathogenic has been seen before.

Counsyl
Classification: Likely pathogenic for Autosomal recessive limb-girdle muscular dystrophy type 2A. Last evaluated: 2017-11-09. Review status: no assertion criteria provided. Collection method: clinical testing. Allele origin: unknown. Not counted in ClinVar's aggregate classification.

Literature cited by the submitters: PubMed 22926650 (cited by 3 submitters); PubMed 9150160 (cited by 3 submitters); PubMed 11525884 (cited by 3 submitters); PubMed 26060040 (cited by 3 submitters); PubMed 18055493 (cited by 3 submitters); PubMed 15221789 (cited by Labcorp Genetics (formerly Invitae), Labcorp); PubMed 19048948 (cited by Labcorp Genetics (formerly Invitae), Labcorp); PubMed 20694146 (cited by Labcorp Genetics (formerly Invitae), Labcorp); PubMed 21984748 (cited by Labcorp Genetics (formerly Invitae), Labcorp); PubMed 25326637 (cited by Labcorp Genetics (formerly Invitae), Labcorp).

NM_000070.3(CAPN3):c.1318C>T (p.Arg440Trp)

Gene: CAPN3 (calpain 3; plus strand). Cytogenetic location: 15q15.1.
Variant type: single nucleotide variant.
Coding change: c.1318C>T on transcript NM_000070.3 (MANE Select); coding-DNA position 1318, C replaced by T.
Protein change: p.Arg440Trp; replaces arginine 440 with tryptophan.
Molecular consequence: missense variant.
Genome position (GRCh38, 1-based): chr15:42,399,616, C>T. VCF-style: chr15-42399616-C-T. GRCh37 (hg19) VCF-style: chr15-42691814-C-T.
Other names: c.1318C>T, p.Arg440Trp (NM_024344.2); c.1174C>T, p.Arg392Trp (NM_173087.2); short protein forms R440W, R392W.
Identifiers: ClinVar variation 283991 (VCV000283991.44), dbSNP rs777323132, ClinGen allele CA7511318.